The following is an entry in ClinVar:

ClinVar aggregate classification (germline): Uncertain significance (1 of 4 stars; one submission).

Conditions:
Accelerated tumor formation, susceptibility to (ACTFS). Identifiers: MedGen C3280690, OMIM 614401, MONDO:0013733.

Allele frequency attached by ClinVar (database versions not stated): gnomAD exomes below 0.00001; TOPMed below 0.00001; ExAC 0.00001.

Submission:

Labcorp Genetics (formerly Invitae), Labcorp
Classification: Uncertain significance for Accelerated tumor formation, susceptibility to. Last evaluated: 2021-03-12. Review status: criteria provided, single submitter. Criteria: Invitae Variant Classification Sherloc (09022015). Collection method: clinical testing. Allele origin: germline.
Comment: This sequence change replaces glutamic acid with aspartic acid at codon 316 of the MDM2 protein (p.Glu316Asp). The glutamic acid residue is highly conserved and there is a small physicochemical difference between glutamic acid and aspartic acid. This variant is present in population databases (rs778582378, ExAC 0.002%). This variant has not been reported in the literature in individuals with MDM2-related conditions. Algorithms developed to predict the effect of missense changes on protein structure and function are either unavailable or do not agree on the potential impact of this missense change (SIFT: "Deleterious"; PolyPhen-2: "Benign"; Align-GVGD: "Class C0"). In summary, the available evidence is currently insufficient to determine the role of this variant in disease. Therefore, it has been classified as a Variant of Uncertain Significance.

NM_002392.6(MDM2):c.948A>C (p.Glu316Asp)

Gene: MDM2 (MDM2 proto-oncogene; plus strand). Cytogenetic location: 12q15.
Variant type: single nucleotide variant.
Coding change: c.948A>C on transcript NM_002392.6 (MANE Select); coding-DNA position 948, A replaced by C.
Protein change: p.Glu316Asp; replaces glutamic acid 316 with aspartic acid.
Molecular consequence: missense variant.
Genome position (GRCh38, 1-based): chr12:68,839,303, A>C. VCF-style: chr12-68839303-A-C. GRCh37 (hg19) VCF-style: chr12-69233083-A-C.
Other names: c.789A>C, p.Glu263Asp (NM_001145337.3); c.783A>C, p.Glu261Asp (NM_001145339.2); c.342A>C, p.Glu114Asp (NM_001145340.3); c.420A>C, p.Glu140Asp (NM_001278462.2); c.930A>C, p.Glu310Asp (NM_001367990.1); short protein forms E263D, E310D, E114D, E316D, E140D, E261D.
Identifiers: ClinVar variation 1437659 (VCV001437659.8), dbSNP rs778582378, ClinGen allele CA6678837.